The following is an entry in ClinVar:

ClinVar aggregate classification (germline): Likely benign (1 of 4 stars; one submission).

gnomAD v4.1: 2 of 1,607,526 alleles (0.00012%); highest among the groups gnomAD compares: Middle Eastern, 0.017%; no homozygotes.

Submission:

CeGaT Center for Human Genetics Tuebingen
Classification: Likely benign. Last evaluated: 2023-01-01. Review status: criteria provided, single submitter. Criteria: CeGaT Center For Human Genetics Tuebingen Variant Classification Criteria Version 2. Collection method: clinical testing. Allele origin: germline. Affected: yes. Observed: 1 variant allele.
Comment: NAA15: BP4, BP7

NM_057175.5(NAA15):c.543C>G (p.Ser181=)

Gene: NAA15 (N-alpha-acetyltransferase 15, NatA auxiliary subunit; plus strand). Cytogenetic location: 4q31.1.
Variant type: single nucleotide variant.
Coding change: c.543C>G on transcript NM_057175.5 (MANE Select); coding-DNA position 543, C replaced by G.
Protein change: p.Ser181=; no amino-acid change (serine 181 retained).
Molecular consequence: synonymous variant.
Genome position (GRCh38, 1-based): chr4:139,344,191, C>G. VCF-style: chr4-139344191-C-G. GRCh37 (hg19) VCF-style: chr4-140265345-C-G.
Other names: c.543C>G, p.Ser181= (NM_001410842.1, NM_025085.2).
Identifiers: ClinVar variation 2655099 (VCV002655099.24), dbSNP rs1376736637, ClinGen allele CA441400102.